The following is an entry in ClinVar:

NM_001433705.1(NLRP5):c.2855C>T (p.Ala952Val)

Gene: NLRP5 (NLR family pyrin domain containing 5; plus strand). Cytogenetic location: 19q13.43.
Variant type: single nucleotide variant.
Coding change: c.2855C>T on transcript NM_001433705.1 (MANE Select); coding-DNA position 2855, C replaced by T.
Protein change: p.Ala952Val; replaces alanine 952 with valine.
Molecular consequence: missense variant.
Genome position (GRCh38, 1-based): chr19:56,050,468, C>T. VCF-style: chr19-56050468-C-T. GRCh37 (hg19) VCF-style: chr19-56561834-C-T.
Other names: NM_153447.4:c.3008C>T; short protein forms A952V.
Identifiers: ClinVar variation 708004 (VCV000708004.7), dbSNP rs182963698, ClinGen allele CA9686104.

ClinVar aggregate classification (germline): Benign/Likely benign. Review status: criteria provided, multiple submitters, no conflicts (2 of 4 stars). 3 submissions from 3 submitters: Benign (1); Likely benign (1). 1 of the submissions does not count toward it. Last evaluated 2024-11-25.

Conditions:
NLRP5-related disorder. Also called: NLRP5-related condition.

Allele frequency attached by ClinVar (database versions not stated): 1000 Genomes Project 30x 0.00203; 1000 Genomes Project 0.00220; ESP Exome Variant Server 0.00294; TOPMed 0.00301.
gnomAD v4.1: 853 of 1,613,816 alleles (0.053%); highest among the groups gnomAD compares: African/African-American, 1%; 4 homozygotes.

Submissions (3):

Blueprint Genetics
Classification: Likely benign. Last evaluated: 2024-11-25. Review status: criteria provided, single submitter. Criteria: ACMG Guidelines, 2015. Collection method: clinical testing. Allele origin: germline.

Labcorp Genetics (formerly Invitae), Labcorp
Classification: Benign. Last evaluated: 2019-12-31. Review status: criteria provided, single submitter. Criteria: Invitae Variant Classification Sherloc (09022015). Collection method: clinical testing. Allele origin: germline.

PreventionGenetics, part of Exact Sciences
Classification: Likely benign for NLRP5-related condition. Last evaluated: 2023-04-24. Review status: no assertion criteria provided. Collection method: clinical testing. Allele origin: germline. Not counted in ClinVar's aggregate classification.
Comment: This variant is classified as likely benign based on ACMG/AMP sequence variant interpretation guidelines (Richards et al. 2015 PMID: 25741868, with internal and published modifications).